The following is an entry in ClinVar:

ClinVar aggregate classification (germline): Uncertain significance. Review status: criteria provided, multiple submitters, no conflicts (2 of 4 stars). 2 submissions from 2 submitters: Uncertain significance (2). Last evaluated 2026-07-03.

Conditions:
Inborn genetic diseases. Identifiers: MedGen C0950123, MeSH D030342.

gnomAD v4.1: 4 of 1,611,340 alleles (0.00025%); highest among the groups gnomAD compares: South Asian, 0.0011%; no homozygotes.

Submissions (2):

Ambry Genetics
Classification: Uncertain significance for Inborn genetic diseases. Last evaluated: 2026-07-03. Review status: criteria provided, single submitter. Criteria: Ambry Variant Classification Scheme 2023. Collection method: clinical testing. Allele origin: germline.

GeneDx
Classification: Uncertain significance. Last evaluated: 2023-01-23. Review status: criteria provided, single submitter. Criteria: GeneDx Variant Classification Process June 2021. Collection method: clinical testing. Allele origin: germline. Affected: yes.
Comment: Not observed at significant frequency in large population cohorts (gnomAD); In silico analysis supports that this missense variant does not alter protein structure/function; Has not been previously published as pathogenic or benign to our knowledge

NM_001003694.2(BRPF1):c.2837G>C (p.Arg946Pro)

Gene: BRPF1 (bromodomain and PHD finger containing 1; plus strand). Cytogenetic location: 3p25.3.
Variant type: single nucleotide variant.
Coding change: c.2837G>C on transcript NM_001003694.2 (MANE Select); coding-DNA position 2837, G replaced by C.
Protein change: p.Arg946Pro; replaces arginine 946 with proline.
Molecular consequence: missense variant. On other transcripts: non-coding transcript variant (1), intron variant (1).
Genome position (GRCh38, 1-based): chr3:9,744,425, G>C. VCF-style: chr3-9744425-G-C. GRCh37 (hg19) VCF-style: chr3-9786109-G-C.
Other names: c.2816G>C, p.Arg939Pro (NM_001319050.2); c.2834G>C, p.Arg945Pro (NM_001410704.1); c.2819G>C, p.Arg940Pro (NM_004634.3); c.2617+524G>C (NM_001319049.2); short protein forms R939P, R940P, R945P, R946P.
Identifiers: ClinVar variation 2573735 (VCV002573735.2), dbSNP rs139611443, ClinGen allele CA351701117.